The following is an entry in ClinVar:

NM_018043.7(ANO1):c.1276C>A (p.His426Asn)

Gene: ANO1 (anoctamin 1; plus strand). Cytogenetic location: 11q13.3.
Variant type: single nucleotide variant.
Coding change: c.1276C>A on transcript NM_018043.7 (MANE Select); coding-DNA position 1276, C replaced by A.
Protein change: p.His426Asn; replaces histidine 426 with asparagine.
Molecular consequence: missense variant. On other transcripts: non-coding transcript variant (1).
Genome position (GRCh38, 1-based): chr11:70,149,727, C>A. VCF-style: chr11-70149727-C-A. GRCh37 (hg19) VCF-style: chr11-69995833-C-A.
Other names: c.1465C>A, p.His489Asn (NM_001378092.1); c.1276C>A, p.His426Asn (NM_001378093.1, NM_001378094.2, NM_001378096.2); c.1342C>A, p.His448Asn (NM_001378095.2); c.1177C>A, p.His393Asn (NM_001378097.2); short protein forms H426N, H393N, H448N, H489N.
Identifiers: ClinVar variation 716671 (VCV000716671.11), dbSNP rs201272431, ClinGen allele CA6157691.

ClinVar aggregate classification (germline): Likely benign. Review status: criteria provided, multiple submitters, no conflicts (2 of 4 stars). 2 submissions from 2 submitters: Likely benign (2). Last evaluated 2025-11-01.

Allele frequency attached by ClinVar (database versions not stated): 1000 Genomes Project 0.00020; 1000 Genomes Project 30x 0.00031; gnomAD 0.00114 and 0.00134; gnomAD exomes 0.00121 and 0.00152; ESP Exome Variant Server 0.00129; ExAC 0.00138; TOPMed 0.00139.
gnomAD v4.1: 2,384 of 1,613,622 alleles (0.15%); highest among the groups gnomAD compares: Non-Finnish European, 0.18%; 3 homozygotes.

Submissions (2):

CeGaT Center for Human Genetics Tuebingen
Classification: Likely benign. Last evaluated: 2025-11-01. Review status: criteria provided, single submitter. Criteria: CeGaT Center For Human Genetics Tuebingen Variant Classification Criteria Version 2. Collection method: clinical testing. Allele origin: germline. Affected: yes. Observed: 2 variant alleles.
Comment: ANO1: BS2

Labcorp Genetics (formerly Invitae), Labcorp
Classification: Likely benign. Last evaluated: 2018-06-26. Review status: criteria provided, single submitter. Criteria: Invitae Variant Classification Sherloc (09022015). Collection method: clinical testing. Allele origin: germline.